The following is an entry in ClinVar:

ClinVar aggregate classification (germline): Likely benign (0 of 4 stars; one submission).

Conditions:
ARID5A-related disorder. Also called: ARID5A-related condition.

Allele frequency attached by ClinVar (database versions not stated): 1000 Genomes Project 30x 0.00031; ExAC 0.00036; 1000 Genomes Project 0.00040; gnomAD 0.00043; TOPMed 0.00049; ESP Exome Variant Server 0.00062.
gnomAD v4.1: 1,036 of 1,605,886 alleles (0.065%); highest among the groups gnomAD compares: Admixed American, 0.13%; 1 homozygote.

Submission:

PreventionGenetics, part of Exact Sciences
Classification: Likely benign for ARID5A-related condition. Last evaluated: 2024-02-13. Review status: no assertion criteria provided. Collection method: clinical testing. Allele origin: germline.
Comment: This variant is classified as likely benign based on ACMG/AMP sequence variant interpretation guidelines (Richards et al. 2015 PMID: 25741868, with internal and published modifications).

NM_212481.3(ARID5A):c.571-4C>A

Gene: ARID5A (AT-rich interaction domain 5A; plus strand). Cytogenetic location: 2q11.2.
Variant type: single nucleotide variant.
Coding change: c.571-4C>A on transcript NM_212481.3 (MANE Select); 4 bases into the intron before coding-DNA position 571, C replaced by A.
Molecular consequence: intron variant.
Genome position (GRCh38, 1-based): chr2:96,551,095, C>A. VCF-style: chr2-96551095-C-A. GRCh37 (hg19) VCF-style: chr2-97216832-C-A.
Other names: c.733-4C>A (NM_001319085.2); c.730-4C>A (NM_001319087.2); c.79-4C>A (NM_001319094.2, NM_001319096.2, NM_001319093.2); c.367-4C>A (NM_001319092.1).
Identifiers: ClinVar variation 3045529 (VCV003045529.2), dbSNP rs141580378, ClinGen allele CA1780693.